The following is an entry in ClinVar:

NM_022114.4(PRDM16):c.379G>A (p.Gly127Arg)

Gene: PRDM16 (PR/SET domain 16; plus strand). Cytogenetic location: 1p36.32.
Variant type: single nucleotide variant.
Coding change: c.379G>A on transcript NM_022114.4 (MANE Select); coding-DNA position 379, G replaced by A.
Protein change: p.Gly127Arg; replaces glycine 127 with arginine.
Molecular consequence: missense variant.
Genome position (GRCh38, 1-based): chr1:3,186,466, G>A. VCF-style: chr1-3186466-G-A. GRCh37 (hg19) VCF-style: chr1-3103030-G-A.
Other names: c.379G>A, p.Gly127Arg (NM_199454.3); short protein forms G127R.
Identifiers: ClinVar variation 1005337 (VCV001005337.9), dbSNP rs552204871, ClinGen allele CA17294003.

ClinVar aggregate classification (germline): Uncertain significance (1 of 4 stars; one submission).

Conditions:
Left ventricular noncompaction 8 (LVNC8). Identifiers: Orphanet 154, Orphanet 54260, MedGen C3809288, MONDO:0014152, OMIM 615373.

Allele frequency attached by ClinVar (database versions not stated): gnomAD 0.00001; gnomAD exomes 0.00001 and 0.00002; TOPMed 0.00002; 1000 Genomes Project 30x 0.00016; 1000 Genomes Project 0.00020.
gnomAD v4.1: 22 of 1,527,740 alleles (0.0014%); highest among the groups gnomAD compares: African/African-American, 0.0083%; no homozygotes.

Submission:

Labcorp Genetics (formerly Invitae), Labcorp
Classification: Uncertain significance for Left ventricular noncompaction 8. Last evaluated: 2022-02-04. Review status: criteria provided, single submitter. Criteria: Invitae Variant Classification Sherloc (09022015). Collection method: clinical testing. Allele origin: germline.
Comment: The frequency data for this variant in the population databases is considered unreliable, as metrics indicate poor data quality at this position in the gnomAD database. This variant has not been reported in the literature in individuals affected with PRDM16-related conditions. ClinVar contains an entry for this variant (Variation ID: 1005337). Algorithms developed to predict the effect of missense changes on protein structure and function are either unavailable or do not agree on the potential impact of this missense change (SIFT: "Deleterious"; PolyPhen-2: "Probably Damaging"; Align-GVGD: "Class C0"). In summary, the available evidence is currently insufficient to determine the role of this variant in disease. Therefore, it has been classified as a Variant of Uncertain Significance. This sequence change replaces glycine, which is neutral and non-polar, with arginine, which is basic and polar, at codon 127 of the PRDM16 protein (p.Gly127Arg).